The following is an entry in ClinVar:

NM_032119.4(ADGRV1):c.7155GTT[2] (p.Leu2387del)

Gene: ADGRV1 (adhesion G protein-coupled receptor V1; plus strand). Cytogenetic location: 5q14.3.
Variant type: Microsatellite.
Coding change: c.7155GTT[2] on transcript NM_032119.4 (MANE Select); two copies in a row of the 3-base unit GTT starting at c.7155; the reference has three copies in a row; one copy, 3 bases deleted.
Protein change: p.Leu2387del; deletes leucine 2387.
Molecular consequence: inframe deletion. On other transcripts: non-coding transcript variant (1).
Genome position (GRCh38, 1-based): chr5:90,693,917-90,693,919, GTT deleted; deleting any 3 consecutive bases within chr5:90,693,910-90,693,919 gives the same sequence; the position shown is the placement nearest the transcript's 3' end. VCF-style (leftmost placement, unchanged base first): chr5-90693909-CTGT-C. GRCh37 (hg19) VCF-style: chr5-89989726-CTGT-C.
Other names: short protein forms L2387del.
Identifiers: ClinVar variation 1920641 (VCV001920641.2), dbSNP rs1746821636, ClinGen allele CA1562859781.

ClinVar aggregate classification (germline): Uncertain significance (1 of 4 stars; one submission).

Submission:

Labcorp Genetics (formerly Invitae), Labcorp
Classification: Uncertain significance. Last evaluated: 2022-05-12. Review status: criteria provided, single submitter. Criteria: Invitae Variant Classification Sherloc (09022015). Collection method: clinical testing. Allele origin: germline.
Comment: This variant, c.7161_7163del, results in the deletion of 1 amino acid(s) of the ADGRV1 protein (p.Leu2387del), but otherwise preserves the integrity of the reading frame. This variant is not present in population databases (gnomAD no frequency). This variant has not been reported in the literature in individuals affected with ADGRV1-related conditions. Experimental studies and prediction algorithms are not available or were not evaluated, and the functional significance of this variant is currently unknown. In summary, the available evidence is currently insufficient to determine the role of this variant in disease. Therefore, it has been classified as a Variant of Uncertain Significance.